The following is an entry in ClinVar:

ClinVar aggregate classification (germline): Uncertain significance (1 of 4 stars; one submission).

Conditions:
Charcot-Marie-Tooth disease type 4. Also called: Charcot-Marie-Tooth, Type 4; Charcot-Marie-Tooth disease, type IV. Identifiers: Orphanet 64749, MedGen C4082197, MONDO:0018995.

gnomAD v4.1: 10 of 1,612,862 alleles (0.00062%); highest among the groups gnomAD compares: Non-Finnish European, 0.00085%; no homozygotes.

Submission:

Labcorp Genetics (formerly Invitae), Labcorp
Classification: Uncertain significance for Charcot-Marie-Tooth disease type 4. Last evaluated: 2020-10-27. Review status: criteria provided, single submitter. Criteria: Invitae Variant Classification Sherloc (09022015). Collection method: clinical testing. Allele origin: germline.
Comment: This sequence change replaces leucine with valine at codon 179 of the FIG4 protein (p.Leu179Val). The leucine residue is moderately conserved and there is a small physicochemical difference between leucine and valine. This variant is not present in population databases (ExAC no frequency). This variant has not been reported in the literature in individuals with FIG4-related disease. Algorithms developed to predict the effect of missense changes on protein structure and function do not agree on the potential impact of this missense change (SIFT: "Tolerated"; PolyPhen-2: "Possibly Damaging"; Align-GVGD: "Class C0"). In summary, the available evidence is currently insufficient to determine the role of this variant in disease. Therefore, it has been classified as a Variant of Uncertain Significance.

NM_014845.6(FIG4):c.535C>G (p.Leu179Val)

Gene: FIG4 (FIG4 phosphoinositide 5-phosphatase; plus strand). Cytogenetic location: 6q21.
Variant type: single nucleotide variant.
Coding change: c.535C>G on transcript NM_014845.6 (MANE Select); coding-DNA position 535, C replaced by G.
Protein change: p.Leu179Val; replaces leucine 179 with valine.
Molecular consequence: missense variant.
Genome position (GRCh38, 1-based): chr6:109,735,187, C>G. VCF-style: chr6-109735187-C-G. GRCh37 (hg19) VCF-style: chr6-110056390-C-G.
Other names: short protein forms L179V.
Identifiers: ClinVar variation 476865 (VCV000476865.7), dbSNP rs141116831, ClinGen allele CA365219229.
Genomic context (GRCh38, chr6:109,735,187, plus strand): 5'-TTAAGTTTCAATTCTGTTCTCAGTTACAGCTATGATTTGTCCCACTCACTTCAATATAAT[C>G]TCACTGTCTTGCGAATGCCCCTGGAGATGTTAAAGTCAGAAATGACCCAGAATCGCCAAG-3'
Protein context (NP_055660.1, residues 169-189): YDLSHSLQYN[Leu179Val]TVLRMPLEML